The following is an entry in ClinVar:

NM_001365536.1(SCN9A):c.5497G>A (p.Gly1833Ser)

Genes: SCN9A (sodium voltage-gated channel alpha subunit 9; minus strand), SCN1A-AS1 (SCN1A and SCN9A antisense RNA 1; plus strand). Cytogenetic location: 2q24.3.
Variant type: single nucleotide variant.
Coding change: c.5497G>A on transcript NM_001365536.1 (MANE Select); coding-DNA position 5497, G replaced by A.
Protein change: p.Gly1833Ser; replaces glycine 1833 with serine.
Molecular consequence: missense variant.
Genome position (GRCh38, 1-based): chr2:166,199,142, C>T on the plus strand (G>A on the coding strand, the complement: SCN9A is on the minus strand). VCF-style: chr2-166199142-C-T. GRCh37 (hg19) VCF-style: chr2-167055652-C-T.
Other names: c.5464G>A, p.Gly1822Ser (NM_002977.4); short protein forms G1822S, G1833S.
Identifiers: ClinVar variation 1315437 (VCV001315437.8), dbSNP rs201638678, ClinGen allele CA59783440.

ClinVar aggregate classification (germline): Uncertain significance. Review status: criteria provided, multiple submitters, no conflicts (2 of 4 stars). 3 submissions from 3 submitters: Uncertain significance (3). Last evaluated 2026-02-01.

Conditions:
Neuropathy, hereditary sensory and autonomic, type 2A (HSAN2A). Also called: ACROOSTEOLYSIS, GIACCAI TYPE; ACROOSTEOLYSIS, NEUROGENIC; WNK1-Related HSAN2 (HSAN2A); MORVAN DISEASE; NEUROPATHY, CONGENITAL SENSORY; NEUROPATHY, HEREDITARY SENSORY RADICULAR, AUTOSOMAL RECESSIVE. Identifiers: Orphanet 970, MedGen C2752089, MONDO:0024309, OMIM 201300.
Generalized epilepsy with febrile seizures plus, type 7 (GEFSP7). Also called: GEFS+, TYPE 7. Identifiers: Orphanet 36387, MedGen C2751778, MONDO:0013470, OMIM 613863.
Inborn genetic diseases. Identifiers: MedGen C0950123, MeSH D030342.

Allele frequency attached by ClinVar (database versions not stated): gnomAD exomes 0.00001; TOPMed 0.00002.
gnomAD v4.1: 13 of 1,614,178 alleles (0.00081%); highest among the groups gnomAD compares: Middle Eastern, 0.016%; no homozygotes.

Submissions (3):

Labcorp Genetics (formerly Invitae), Labcorp
Classification: Uncertain significance for Neuropathy, hereditary sensory and autonomic, type 2A; Generalized epilepsy with febrile seizures plus, type 7. Last evaluated: 2026-02-01. Review status: criteria provided, single submitter. Criteria: Invitae Variant Classification Sherloc (09022015). Collection method: clinical testing. Allele origin: germline.
Comment: This sequence change replaces glycine, which is neutral and non-polar, with serine, which is neutral and polar, at codon 1822 of the SCN9A protein (p.Gly1822Ser). This variant is present in population databases (rs201638678, gnomAD 0.002%). This missense change has been observed in individual(s) with sudden unexpected infant death (PMID: 38895864). ClinVar contains an entry for this variant (Variation ID: 1315437). Invitae Evidence Modeling of protein sequence and biophysical properties (such as structural, functional, and spatial information, amino acid conservation, physicochemical variation, residue mobility, and thermodynamic stability) indicates that this missense variant is not expected to disrupt SCN9A protein function with a negative predictive value of 95%. Algorithms developed to predict the effect of sequence changes on RNA splicing suggest that this variant may create or strengthen a splice site. In summary, the available evidence is currently insufficient to determine the role of this variant in disease. Therefore, it has been classified as a Variant of Uncertain Significance.

Ambry Genetics
Classification: Uncertain significance for Inborn genetic diseases. Last evaluated: 2022-04-07. Review status: criteria provided, single submitter. Criteria: Ambry Variant Classification Scheme 2023. Collection method: clinical testing. Allele origin: germline.
Comment: The p.G1822S variant (also known as c.5464G>A), located in coding exon 26 of the SCN9A gene, results from a G to A substitution at nucleotide position 5464. The glycine at codon 1822 is replaced by serine, an amino acid with similar properties. This amino acid position is conserved. In addition, this alteration is predicted to be deleterious by in silico analysis. Since supporting evidence is limited at this time, the clinical significance of this alteration remains unclear.

GeneDx
Classification: Uncertain significance. Last evaluated: 2020-01-18. Review status: criteria provided, single submitter. Criteria: GeneDx Variant Classification Process June 2021. Collection method: clinical testing. Allele origin: germline. Affected: yes.
Comment: Not observed at a significant frequency in large population cohorts (Lek et al., 2016); In silico analysis, which includes protein predictors and evolutionary conservation, supports a deleterious effect; Has not been previously published as pathogenic or benign to our knowledge

Literature cited by the submitters: PubMed 38895864 (cited by Labcorp Genetics (formerly Invitae), Labcorp).